The following is an entry in ClinVar:

NM_001111.5(ADAR):c.1785G>A (p.Lys595=)

Gene: ADAR (adenosine deaminase RNA specific; minus strand). Cytogenetic location: 1q21.3.
Variant type: single nucleotide variant.
Coding change: c.1785G>A on transcript NM_001111.5 (MANE Select); coding-DNA position 1785, G replaced by A.
Protein change: p.Lys595=; no amino-acid change (lysine 595 retained).
Molecular consequence: synonymous variant.
Genome position (GRCh38, 1-based): chr1:154,598,402, C>T on the plus strand (G>A on the coding strand, the complement: ADAR is on the minus strand). VCF-style: chr1-154598402-C-T. GRCh37 (hg19) VCF-style: chr1-154570878-C-T.
Other names: c.900G>A, p.Lys300= (NM_001025107.3, NM_001193495.2, NM_001365046.1 and 3 more transcripts); c.1812G>A, p.Lys604= (NM_001365045.1); c.1785G>A, p.Lys595= (NM_015840.4, NM_015841.4).
Identifiers: ClinVar variation 2952884 (VCV002952884.3), dbSNP rs773832743, ClinGen allele CA1131483.

ClinVar aggregate classification (germline): Uncertain significance (1 of 4 stars; one submission).

Conditions:
Symmetrical dyschromatosis of extremities (DSH). Also called: RETICULATE ACROPIGMENTATION OF DOHI; DYSCHROMATOSIS SYMMETRICA HEREDITARIA 1; SYMMETRIC DYSCHROMATOSIS OF THE EXTREMITIES; Dyschromatosis symmetrica hereditaria. Identifiers: Orphanet 41, MedGen C0406775, MONDO:0007483, OMIM 127400.
Aicardi-Goutieres syndrome 6 (AGS6). Identifiers: Orphanet 51, MedGen C3539013, MONDO:0014007, OMIM 615010.

Allele frequency attached by ClinVar (database versions not stated): TOPMed below 0.00001; gnomAD 0.00001; ExAC 0.00002.
gnomAD v4.1: 8 of 1,614,012 alleles (0.0005%); highest among the groups gnomAD compares: South Asian, 0.0077%; no homozygotes.

Submission:

Labcorp Genetics (formerly Invitae), Labcorp
Classification: Uncertain significance for Aicardi-Goutieres syndrome 6; Symmetrical dyschromatosis of extremities. Last evaluated: 2024-04-01. Review status: criteria provided, single submitter. Criteria: Invitae Variant Classification Sherloc (09022015). Collection method: clinical testing. Allele origin: germline.
Comment: This sequence change affects codon 595 of the ADAR mRNA. It is a 'silent' change, meaning that it does not change the encoded amino acid sequence of the ADAR protein. This variant also falls at the last nucleotide of exon 3, which is part of the consensus splice site for this exon. This variant is present in population databases (rs773832743, gnomAD 0.01%). This variant has not been reported in the literature in individuals affected with ADAR-related conditions. Variants that disrupt the consensus splice site are a relatively common cause of aberrant splicing (PMID: 17576681, 9536098). Algorithms developed to predict the effect of sequence changes on RNA splicing suggest that this variant is not likely to affect RNA splicing. In summary, the available evidence is currently insufficient to determine the role of this variant in disease. Therefore, it has been classified as a Variant of Uncertain Significance.

Literature cited by the submitters: PubMed 17576681; PubMed 9536098.